The following is an entry in ClinVar:

NM_024757.5(EHMT1):c.2656G>A (p.Val886Met)

Gene: EHMT1 (euchromatic histone lysine methyltransferase 1; plus strand). Cytogenetic location: 9q34.3.
Variant type: single nucleotide variant.
Coding change: c.2656G>A on transcript NM_024757.5 (MANE Select); coding-DNA position 2656, G replaced by A.
Protein change: p.Val886Met; replaces valine 886 with methionine.
Molecular consequence: missense variant.
Genome position (GRCh38, 1-based): chr9:137,800,928, G>A. VCF-style: chr9-137800928-G-A. GRCh37 (hg19) VCF-style: chr9-140695380-G-A.
Other names: c.2635G>A, p.Val879Met (NM_001354263.2); short protein forms V886M, V879M.
Identifiers: ClinVar variation 366017 (VCV000366017.34), dbSNP rs146269774, ClinGen allele CA5375020.

ClinVar aggregate classification (germline): Likely benign. Review status: criteria provided, multiple submitters, no conflicts (2 of 4 stars). 3 submissions from 3 submitters: Likely benign (3). Last evaluated 2024-12-02.

Conditions:
Kleefstra syndrome 1 (KLEFS1). Identifiers: Orphanet 261494, MedGen C0795833, MONDO:0027407, OMIM 610253.
Inborn genetic diseases. Identifiers: MedGen C0950123, MeSH D030342.

Allele frequency attached by ClinVar (database versions not stated): ESP Exome Variant Server 0.00008; 1000 Genomes Project 30x 0.00016; 1000 Genomes Project 0.00020; ExAC 0.00002; gnomAD exomes 0.00003; gnomAD 0.00005 and 0.00006; TOPMed 0.00005.
gnomAD v4.1: 37 of 1,614,158 alleles (0.0023%); highest among the groups gnomAD compares: African/African-American, 0.019%; no homozygotes.

Submissions (3):

Ambry Genetics
Classification: Likely benign for Inborn genetic diseases. Last evaluated: 2024-12-02. Review status: criteria provided, single submitter. Criteria: Ambry Variant Classification Scheme 2023. Collection method: clinical testing. Allele origin: germline.

Labcorp Genetics (formerly Invitae), Labcorp
Classification: Likely benign for Kleefstra syndrome 1. Last evaluated: 2024-03-19. Review status: criteria provided, single submitter. Criteria: Invitae Variant Classification Sherloc (09022015). Collection method: clinical testing. Allele origin: germline.

CeGaT Center for Human Genetics Tuebingen
Classification: Likely benign. Last evaluated: 2024-03-01. Review status: criteria provided, single submitter. Criteria: CeGaT Center For Human Genetics Tuebingen Variant Classification Criteria Version 2. Collection method: clinical testing. Allele origin: germline. Affected: yes. Observed: 1 variant allele.
Comment: EHMT1: BS2